The following is an entry in ClinVar:

GRCh38/hg38 Xq21.1(chrX:80629216-81630346)x3

Genes: BRWD3 (bromodomain and WD repeat domain containing 3; minus strand), HMGN5 (high mobility group nucleosome binding domain 5; minus strand), SH3BGRL (SH3 domain binding glutamate rich protein like; plus strand), LOC130068471 (ATAC-STARR-seq lymphoblastoid active region 29790; plus strand), LOC130068472 (ATAC-STARR-seq lymphoblastoid active region 29791; plus strand) and 2 more. Cytogenetic location: Xq21.1.
Variant type: copy number gain.
Change: copy number 3 of chrX:80,629,216-81,630,346 (1.00 Mb, GRCh38 coordinates, 1-based), cytogenetic band Xq21.1.
Identifiers: ClinVar variation 60337 (VCV000060337.1).

ClinVar aggregate classification (germline): Uncertain significance (1 of 4 stars; one submission).

Submission:

ISCA site 15
Classification: Uncertain significance. Last evaluated: 2011-08-12. Review status: criteria provided, single submitter. Criteria: Kaminsky et al. (Genet Med. 2011). Collection method: clinical testing. Allele origin: unknown. Affected: yes. Observed: 1 variant allele.
Comment: Copy number variation identified through the course of routine clinical cytogenomic testing in postnatal populations. Clinical assertions have been curated as described in Kaminsky et al. 2011.